The following is an entry in ClinVar:

NM_030928.4(CDT1):c.220G>C (p.Val74Leu)

Gene: CDT1 (chromatin licensing and DNA replication factor 1; plus strand). Cytogenetic location: 16q24.3.
Variant type: single nucleotide variant.
Coding change: c.220G>C on transcript NM_030928.4 (MANE Select); coding-DNA position 220, G replaced by C.
Protein change: p.Val74Leu; replaces valine 74 with leucine.
Molecular consequence: missense variant.
Genome position (GRCh38, 1-based): chr16:88,804,051, G>C. VCF-style: chr16-88804051-G-C. GRCh37 (hg19) VCF-style: chr16-88870459-G-C.
Other names: short protein forms V74L.
Identifiers: ClinVar variation 2205873 (VCV002205873.3), dbSNP rs952982891, ClinGen allele CA286412969.

ClinVar aggregate classification (germline): Uncertain significance. Review status: criteria provided, multiple submitters, no conflicts (2 of 4 stars). 2 submissions from 2 submitters: Uncertain significance (2). Last evaluated 2025-12-01.

Conditions:
Inborn genetic diseases. Identifiers: MedGen C0950123, MeSH D030342.

Allele frequency attached by ClinVar (database versions not stated): gnomAD exomes below 0.00001; gnomAD 0.00010; TOPMed 0.00010.

Submissions (2):

Labcorp Genetics (formerly Invitae), Labcorp
Classification: Uncertain significance. Last evaluated: 2025-12-01. Review status: criteria provided, single submitter. Criteria: Invitae Variant Classification Sherloc (09022015). Collection method: clinical testing. Allele origin: germline.
Comment: This sequence change replaces valine, which is neutral and non-polar, with leucine, which is neutral and non-polar, at codon 74 of the CDT1 protein (p.Val74Leu). This variant is present in population databases (no rsID available, gnomAD 0.03%). This variant has not been reported in the literature in individuals affected with CDT1-related conditions. ClinVar contains an entry for this variant (Variation ID: 2205873). An algorithm developed to predict the effect of missense changes on protein structure and function (PolyPhen-2) suggests that this variant is likely to be tolerated. In summary, the available evidence is currently insufficient to determine the role of this variant in disease. Therefore, it has been classified as a Variant of Uncertain Significance.

Ambry Genetics
Classification: Uncertain significance for Inborn genetic diseases. Last evaluated: 2021-06-23. Review status: criteria provided, single submitter. Criteria: Ambry Variant Classification Scheme 2023. Collection method: clinical testing. Allele origin: germline.